The following is an entry in ClinVar:

ClinVar aggregate classification (germline): Pathogenic (1 of 4 stars; one submission).

Conditions:
Hereditary fructosuria. Also called: ALDOB DEFICIENCY; ALDOLASE B DEFICIENCY; FRUCTOSE-1,6-BISPHOSPHATE ALDOLASE B DEFICIENCY; FRUCTOSE-1-PHOSPHATE ALDOLASE DEFICIENCY; FRUCTOSEMIA; Hereditary fructose intolerance. Identifiers: Orphanet 469, MedGen C0016751, MONDO:0009249, OMIM 229600, HP:0005973. Disease mechanism: loss of function.

Submission:

Labcorp Genetics (formerly Invitae), Labcorp
Classification: Pathogenic for Hereditary fructosuria. Last evaluated: 2026-01-20. Review status: criteria provided, single submitter. Criteria: Invitae Variant Classification Sherloc (09022015). Collection method: clinical testing. Allele origin: germline.
Comment: This sequence change creates a premature translational stop signal (p.Leu298Glnfs*37) in the ALDOB gene. While this is not anticipated to result in nonsense mediated decay, it is expected to disrupt the last 67 amino acid(s) of the ALDOB protein. This variant is not present in population databases (gnomAD no frequency). This variant has not been reported in the literature in individuals affected with ALDOB-related conditions. This variant disrupts a region of the ALDOB protein in which other variant(s) (p.Ala338Val) have been determined to be pathogenic (PMID: 9610797, 25595217). This suggests that this is a clinically significant region of the protein, and that variants that disrupt it are likely to be disease-causing. For these reasons, this variant has been classified as Pathogenic.

Literature cited by the submitters: PubMed 9610797; PubMed 25595217.

NM_000035.4(ALDOB):c.893_894del (p.Leu298fs)

Gene: ALDOB (aldolase, fructose-bisphosphate B; minus strand). Cytogenetic location: 9q31.1.
Variant type: Deletion.
Coding change: c.893_894del on transcript NM_000035.4 (MANE Select); coding-DNA positions 893 to 894, 2 bases deleted (TA; older notation c.893_894delTA).
Protein change: p.Leu298fs; shifts the reading frame from leucine 298.
Molecular consequence: frameshift variant.
Genome position (GRCh38, 1-based): chr9:101,424,948-101,424,949, TA deleted on the plus strand (TA on the coding strand, the reverse complement: ALDOB is on the minus strand). VCF-style (leftmost placement, unchanged base first): chr9-101424947-TTA-T. GRCh37 (hg19) VCF-style: chr9-104187229-TTA-T.
Other names: short protein forms L298fs.
Identifiers: ClinVar variation 4764564 (VCV004764564.1).
Genomic context (GRCh38, chr9:101,424,947, plus strand): 5'-CAGCCTTGCCACCCCAGGCAGCCAGTGCACTGGCCTGCAGGGCCCGTCCATAAGAGAAAC[TTA>T]GTTTCCAGGGCTTTGGTAGAGGGCAAAGGTTGATAGCATTGAGGTTGAGAGTGGCATCCT-3'